The following is an entry in ClinVar:

NC_012920.1(MT-ND1):m.3498C>T

Gene: MT-ND1 (mitochondrially encoded NADH dehydrogenase 1; plus strand).
Variant type: single nucleotide variant.
Genome position: chrM-3498-C-T.
Identifiers: ClinVar variation 377309 (VCV000377309.4), dbSNP rs878982719, ClinGen allele CA16603335.

ClinVar aggregate classification (germline): Likely benign. Review status: criteria provided, multiple submitters, no conflicts (2 of 4 stars). 2 submissions from 2 submitters: Likely benign (2). Last evaluated 2017-01-06.

Submissions (2):

Center for Pediatric Genomic Medicine, Children's Mercy Hospital and Clinics
Classification: Likely benign. Last evaluated: 2017-01-06. Review status: criteria provided, single submitter. Criteria: ACMG Guidelines, 2015. Collection method: clinical testing. Allele origin: germline.
ClinVar note: Converted during submission from Likely Benign to Likely benign.

Breakthrough Genomics
Classification: Likely benign. Review status: criteria provided, single submitter. Criteria: ACMG Guidelines, 2015. Collection method: not provided. Allele origin: germline. Inheritance: Unknown mechanism. Affected: yes.